The following is an entry in ClinVar:

NM_006015.6(ARID1A):c.658A>G (p.Ser220Gly)

Genes: ARID1A (AT-rich interaction domain 1A; plus strand), LOC129929837 (ATAC-STARR-seq lymphoblastoid silent region 489; plus strand). Cytogenetic location: 1p36.11.
Variant type: single nucleotide variant.
Coding change: c.658A>G on transcript NM_006015.6 (MANE Select); coding-DNA position 658, A replaced by G.
Protein change: p.Ser220Gly; replaces serine 220 with glycine.
Molecular consequence: missense variant.
Genome position (GRCh38, 1-based): chr1:26,697,061, A>G. VCF-style: chr1-26697061-A-G. GRCh37 (hg19) VCF-style: chr1-27023552-A-G.
Other names: c.658A>G, p.Ser220Gly (NM_139135.4); short protein forms S220G.
Identifiers: ClinVar variation 3696292 (VCV003696292.3).

ClinVar aggregate classification (germline): Uncertain significance. Review status: criteria provided, multiple submitters, no conflicts (2 of 4 stars). 2 submissions from 2 submitters: Uncertain significance (2). Last evaluated 2025-10-13.

Conditions:
Intellectual disability, autosomal dominant 14 (CSS2). Also called: COFFIN-SIRIS SYNDROME 2. Identifiers: Orphanet 1465, MedGen C3553247, MONDO:0013819, OMIM 614607.

gnomAD v4.1: 1 of 1,521,742 alleles (0.000066%); highest among the groups gnomAD compares: Admixed American, 0.0022%; no homozygotes.

Submissions (2):

Labcorp Genetics (formerly Invitae), Labcorp
Classification: Uncertain significance. Last evaluated: 2025-10-13. Review status: criteria provided, single submitter. Criteria: Invitae Variant Classification Sherloc (09022015). Collection method: clinical testing. Allele origin: germline.
Comment: This sequence change replaces serine, which is neutral and polar, with glycine, which is neutral and non-polar, at codon 220 of the ARID1A protein (p.Ser220Gly). The frequency data for this variant in the population databases is considered unreliable, as metrics indicate poor data quality at this position in the gnomAD database. This variant has not been reported in the literature in individuals affected with ARID1A-related conditions. ClinVar contains an entry for this variant (Variation ID: 3696292). Invitae Evidence Modeling of protein sequence and biophysical properties (such as structural, functional, and spatial information, amino acid conservation, physicochemical variation, residue mobility, and thermodynamic stability) indicates that this missense variant is not expected to disrupt ARID1A protein function with a negative predictive value of 95%. In summary, the available evidence is currently insufficient to determine the role of this variant in disease. Therefore, it has been classified as a Variant of Uncertain Significance.

Revvity Omics, Revvity
Classification: Uncertain significance for Intellectual disability, autosomal dominant 14. Last evaluated: 2024-06-27. Review status: criteria provided, single submitter. Criteria: ACMG Guidelines, 2015. Collection method: clinical testing. Allele origin: germline.